The following is an entry in ClinVar:

NM_017654.4(SAMD9):c.1912T>C (p.Ser638Pro)

Gene: SAMD9 (sterile alpha motif domain containing 9; minus strand). Cytogenetic location: 7q21.2.
Variant type: single nucleotide variant.
Coding change: c.1912T>C on transcript NM_017654.4 (MANE Select); coding-DNA position 1912, T replaced by C.
Protein change: p.Ser638Pro; replaces serine 638 with proline.
Molecular consequence: missense variant.
Genome position (GRCh38, 1-based): chr7:93,104,186, A>G on the plus strand (T>C on the coding strand, the complement: SAMD9 is on the minus strand). VCF-style: chr7-93104186-A-G. GRCh37 (hg19) VCF-style: chr7-92733499-A-G.
Other names: c.1912T>C, p.Ser638Pro (NM_001193307.2); short protein forms S638P.
Identifiers: ClinVar variation 3619232 (VCV003619232.2).

ClinVar aggregate classification (germline): Uncertain significance (1 of 4 stars; one submission).

Submission:

Labcorp Genetics (formerly Invitae), Labcorp
Classification: Uncertain significance. Last evaluated: 2025-01-19. Review status: criteria provided, single submitter. Criteria: Invitae Variant Classification Sherloc (09022015). Collection method: clinical testing. Allele origin: germline.
Comment: This sequence change replaces serine, which is neutral and polar, with proline, which is neutral and non-polar, at codon 638 of the SAMD9 protein (p.Ser638Pro). This variant is present in population databases (rs761237340, gnomAD 0.006%). This variant has not been reported in the literature in individuals affected with SAMD9-related conditions. Invitae Evidence Modeling of protein sequence and biophysical properties (such as structural, functional, and spatial information, amino acid conservation, physicochemical variation, residue mobility, and thermodynamic stability) indicates that this missense variant is not expected to disrupt SAMD9 protein function with a negative predictive value of 95%. In summary, the available evidence is currently insufficient to determine the role of this variant in disease. Therefore, it has been classified as a Variant of Uncertain Significance.